The following is an entry in ClinVar:

ClinVar aggregate classification (germline): Uncertain significance. Review status: criteria provided, multiple submitters, no conflicts (2 of 4 stars). 2 submissions from 2 submitters: Uncertain significance (2). Last evaluated 2026-07-07.

Conditions:
Hereditary cancer-predisposing syndrome. Also called: Tumor predisposition; Hereditary neoplastic syndrome; Neoplastic Syndromes, Hereditary; Hereditary Cancer Syndrome. Identifiers: Orphanet 140162, MedGen C0027672, MeSH D009386, MONDO:0015356.
Familial cancer of breast. Also called: Hereditary breast cancer; hereditary breast carcinoma; BREAST CANCER, FAMILIAL. Identifiers: Orphanet 227535, MedGen C0346153, MONDO:0016419, OMIM 114480. Disease mechanism: loss of function.

Allele frequency attached by ClinVar (database versions not stated): TOPMed below 0.00001.

Submissions (2):

Ambry Genetics
Classification: Uncertain significance for Hereditary cancer-predisposing syndrome. Last evaluated: 2026-07-07. Review status: criteria provided, single submitter. Criteria: Ambry Variant Classification Scheme 2023. Collection method: clinical testing. Allele origin: germline.
Comment: The p.V191A variant (also known as c.572T>C), located in coding exon 4 of the BARD1 gene, results from a T to C substitution at nucleotide position 572. The valine at codon 191 is replaced by alanine, an amino acid with similar properties. This amino acid position is conserved. In addition, this alteration is predicted to be tolerated by in silico analysis. Based on the available evidence, the clinical significance of this variant remains unclear.

Labcorp Genetics (formerly Invitae), Labcorp
Classification: Uncertain significance for Familial cancer of breast. Last evaluated: 2023-08-23. Review status: criteria provided, single submitter. Criteria: Invitae Variant Classification Sherloc (09022015). Collection method: clinical testing. Allele origin: germline.
Comment: ClinVar contains an entry for this variant (Variation ID: 859382). This sequence change replaces valine, which is neutral and non-polar, with alanine, which is neutral and non-polar, at codon 191 of the BARD1 protein (p.Val191Ala). This variant is not present in population databases (gnomAD no frequency). This variant has not been reported in the literature in individuals affected with BARD1-related conditions. Algorithms developed to predict the effect of missense changes on protein structure and function output the following: SIFT: "Not Available"; PolyPhen-2: "Benign"; Align-GVGD: "Not Available". The alanine amino acid residue is found in multiple mammalian species, which suggests that this missense change does not adversely affect protein function. In summary, the available evidence is currently insufficient to determine the role of this variant in disease. Therefore, it has been classified as a Variant of Uncertain Significance.

NM_000465.4(BARD1):c.572T>C (p.Val191Ala)

Gene: BARD1 (BRCA1 associated RING domain 1; minus strand). Cytogenetic location: 2q35.
Variant type: single nucleotide variant.
Coding change: c.572T>C on transcript NM_000465.4 (MANE Select); coding-DNA position 572, T replaced by C.
Protein change: p.Val191Ala; replaces valine 191 with alanine.
Molecular consequence: missense variant. On other transcripts: non-coding transcript variant (2), intron variant (3).
Genome position (GRCh38, 1-based): chr2:214,781,302, A>G on the plus strand (T>C on the coding strand, the complement: BARD1 is on the minus strand). VCF-style: chr2-214781302-A-G. GRCh37 (hg19) VCF-style: chr2-215646026-A-G.
Other names: c.515T>C, p.Val172Ala (NM_001282543.2); c.158+28110T>C (NM_001282548.2); c.215+15759T>C (NM_001282545.2); c.364+10995T>C (NM_001282549.2); c.572T>C (NM_000465.2); short protein forms V172A, V191A.
Identifiers: ClinVar variation 859382 (VCV000859382.12), dbSNP rs1433869128, ClinGen allele CA350456868.